The following is an entry in ClinVar:

NM_001393504.1(MAST3):c.1432+8C>T

Gene: MAST3 (microtubule associated serine/threonine kinase 3; plus strand). Cytogenetic location: 19p13.11.
Variant type: single nucleotide variant.
Coding change: c.1432+8C>T on transcript NM_001393504.1 (MANE Select); 8 bases into the intron after coding-DNA position 1432, C replaced by T.
Molecular consequence: intron variant.
Genome position (GRCh38, 1-based): chr19:18,130,710, C>T. VCF-style: chr19-18130710-C-T. GRCh37 (hg19) VCF-style: chr19-18241520-C-T.
Other names: c.1456+8C>T (NM_001393501.1); c.1435+8C>T (NM_001393502.1); c.1366+8C>T (NM_001393508.1, NM_001393516.1); c.1345+8C>T (NM_001393514.1, NM_015016.2); c.1363+8C>T (NM_001393509.1, NM_001393512.1, NM_001393518.1 and 2 more transcripts); c.1342+8C>T (NM_001393515.1, NM_001393520.1); c.1432+8C>T (NM_001393503.1); c.1411+8C>T (NM_001393507.1); and 4 more.
Identifiers: ClinVar variation 3905367 (VCV003905367.10).
Genomic context (GRCh38, chr19:18,130,710, plus strand): 5'-CTGCTCCTTTGAGACCCGGCGCCACCTATGTATGGTCATGGAATACGTGGAAGGTACGCT[C>T]ACTGGGGCTTGCATGCCTCCAGCGATGGGGAGCTCACCCCTCCACGCCTGGGAGAAAATT-3'

ClinVar aggregate classification (germline): Likely benign (1 of 4 stars; one submission).

gnomAD v4.1: 126 of 1,611,814 alleles (0.0078%); highest among the groups gnomAD compares: Middle Eastern, 0.016%; no homozygotes.

Submission:

CeGaT Center for Human Genetics Tuebingen
Classification: Likely benign. Last evaluated: 2025-06-01. Review status: criteria provided, single submitter. Criteria: CeGaT Center For Human Genetics Tuebingen Variant Classification Criteria Version 2. Collection method: clinical testing. Allele origin: germline. Affected: yes. Observed: 1 variant allele.
Comment: MAST3: BP4